The following is an entry in ClinVar:

ClinVar aggregate classification (germline): Uncertain significance (1 of 4 stars; one submission).

Conditions:
Cardiomyopathy (CMYO). Also called: Cardiomyopathies. Identifiers: Orphanet 167848, MedGen C0878544, MONDO:0004994, HP:0001638. Inheritance: Various modes of inheritance.

gnomAD v4.1: 1 of 1,593,926 alleles (0.000063%); highest among the groups gnomAD compares: African/African-American, 0.0013%; no homozygotes.

Submission:

Color Diagnostics, LLC DBA Color Health
Classification: Uncertain significance for Cardiomyopathy. Last evaluated: 2025-07-25. Review status: criteria provided, single submitter. Criteria: ACMG Guidelines, 2015. Collection method: clinical testing. Allele origin: germline.
Comment: This missense variant replaces threonine with alanine at codon 27 of the RYR2 protein. Computational prediction is inconclusive regarding the impact of this variant on protein structure and function. To our knowledge, functional studies have not been reported for this variant. This variant has not been reported in individuals affected with RYR2-related disorders in the literature. This variant has not been identified in the general population by the Genome Aggregation Database (gnomAD). The available evidence is insufficient to determine the role of this variant in disease conclusively. Therefore, this variant is classified as a Variant of Uncertain Significance.

NM_001035.3(RYR2):c.79A>G (p.Thr27Ala)

Gene: RYR2 (ryanodine receptor 2; plus strand). Cytogenetic location: 1q43.
Variant type: single nucleotide variant.
Coding change: c.79A>G on transcript NM_001035.3 (MANE Select); coding-DNA position 79, A replaced by G.
Protein change: p.Thr27Ala; replaces threonine 27 with alanine.
Molecular consequence: missense variant.
Genome position (GRCh38, 1-based): chr1:237,270,527, A>G. VCF-style: chr1-237270527-A-G. GRCh37 (hg19) VCF-style: chr1-237433827-A-G.
Other names: short protein forms T27A.
Identifiers: ClinVar variation 4759076 (VCV004759076.1).
Genomic context (GRCh38, chr1:237,270,527, plus strand): 5'-ATTTTTCCCTCTCTTTCTCCCCCTTTGCAGGATGATGAAGTGGTTCTGCAGTGCACCGCA[A>G]CCATCCACAAAGAACAACAGAAGCTATGCTTGGCAGCAGAAGGATTTGGCAACAGACTTT-3'
Protein context (NP_001026.2, residues 17-37): DDEVVLQCTA[Thr27Ala]IHKEQQKLCL